The following is an entry in ClinVar:

ClinVar aggregate classification (germline): Uncertain significance (1 of 4 stars; one submission).

Submission:

Labcorp Genetics (formerly Invitae), Labcorp
Classification: Uncertain significance. Last evaluated: 2022-04-24. Review status: criteria provided, single submitter. Criteria: Invitae Variant Classification Sherloc (09022015). Collection method: clinical testing. Allele origin: germline.
Comment: In summary, the available evidence is currently insufficient to determine the role of this variant in disease. Therefore, it has been classified as a Variant of Uncertain Significance. Algorithms developed to predict the effect of missense changes on protein structure and function output the following: SIFT: "Tolerated"; PolyPhen-2: "Benign"; Align-GVGD: "Class C0". The serine amino acid residue is found in multiple mammalian species, which suggests that this missense change does not adversely affect protein function. This variant has not been reported in the literature in individuals affected with HSPG2-related conditions. This variant is not present in population databases (gnomAD no frequency). This sequence change replaces alanine, which is neutral and non-polar, with serine, which is neutral and polar, at codon 2427 of the HSPG2 protein (p.Ala2427Ser).

NM_005529.7(HSPG2):c.7279G>T (p.Ala2427Ser)

Gene: HSPG2 (heparan sulfate proteoglycan 2; minus strand). Cytogenetic location: 1p36.12.
Variant type: single nucleotide variant.
Coding change: c.7279G>T on transcript NM_005529.7 (MANE Select); coding-DNA position 7279, G replaced by T.
Protein change: p.Ala2427Ser; replaces alanine 2427 with serine.
Molecular consequence: missense variant.
Genome position (GRCh38, 1-based): chr1:21,850,378, C>A on the plus strand (G>T on the coding strand, the complement: HSPG2 is on the minus strand). VCF-style: chr1-21850378-C-A. GRCh37 (hg19) VCF-style: chr1-22176871-C-A.
Other names: c.7282G>T, p.Ala2428Ser (NM_001291860.2); short protein forms A2428S, A2427S.
Identifiers: ClinVar variation 2130314 (VCV002130314.4), dbSNP rs1363645681, ClinGen allele CA338925286.